The following is an entry in ClinVar:

ClinVar aggregate classification (germline): Uncertain significance (1 of 4 stars; one submission).

Allele frequency attached by ClinVar (database versions not stated): TOPMed below 0.00001; gnomAD 0.00001.
gnomAD v4.1: 17 of 1,614,050 alleles (0.0011%); highest among the groups gnomAD compares: South Asian, 0.0055%; no homozygotes.

Submission:

Labcorp Genetics (formerly Invitae), Labcorp
Classification: Uncertain significance. Last evaluated: 2024-01-20. Review status: criteria provided, single submitter. Criteria: Invitae Variant Classification Sherloc (09022015). Collection method: clinical testing. Allele origin: germline.
Comment: This sequence change replaces arginine, which is basic and polar, with cysteine, which is neutral and slightly polar, at codon 474 of the KL protein (p.Arg474Cys). This variant is present in population databases (rs758701481, gnomAD 0.003%). This variant has not been reported in the literature in individuals affected with KL-related conditions. Advanced modeling of protein sequence and biophysical properties (such as structural, functional, and spatial information, amino acid conservation, physicochemical variation, residue mobility, and thermodynamic stability) performed at Invitae indicates that this missense variant is expected to disrupt KL protein function with a positive predictive value of 80%. Algorithms developed to predict the effect of sequence changes on RNA splicing suggest that this variant may create or strengthen a splice site. In summary, the available evidence is currently insufficient to determine the role of this variant in disease. Therefore, it has been classified as a Variant of Uncertain Significance.

NM_004795.4(KL):c.1420C>T (p.Arg474Cys)

Gene: KL (klotho; plus strand). Cytogenetic location: 13q13.1.
Variant type: single nucleotide variant.
Coding change: c.1420C>T on transcript NM_004795.4 (MANE Select); coding-DNA position 1420, C replaced by T.
Protein change: p.Arg474Cys; replaces arginine 474 with cysteine.
Molecular consequence: missense variant.
Genome position (GRCh38, 1-based): chr13:33,055,136, C>T. VCF-style: chr13-33055136-C-T. GRCh37 (hg19) VCF-style: chr13-33629273-C-T.
Other names: short protein forms R474C.
Identifiers: ClinVar variation 2788045 (VCV002788045.3), dbSNP rs758701481, ClinGen allele CA6944106.
Genomic context (GRCh38, chr13:33,055,136, plus strand): 5'-GGGTATACCGCATGGTCCCTCATGGATGGTTTCGAGTGGCACAGAGGTTACAGCATCAGG[C>T]GTGGACTCTTCTATGTTGACTTTCTAAGCCAGGACAAGATGTTGTTGCCAAAGTCTTCAG-3'
Protein context (NP_004786.2, residues 464-484): FEWHRGYSIR[Arg474Cys]GLFYVDFLSQ